The following is an entry in ClinVar:

NM_003728.4(UNC5C):c.1494G>A (p.Thr498=)

Genes: UNC5C (unc-5 netrin receptor C; minus strand), LOC126807113 (CDK7 strongly-dependent group 2 enhancer GRCh37_chr4:96140095-96141294; plus strand). Cytogenetic location: 4q22.3.
Variant type: single nucleotide variant.
Coding change: c.1494G>A on transcript NM_003728.4 (MANE Select); coding-DNA position 1494, G replaced by A.
Protein change: p.Thr498=; no amino-acid change (threonine 498 retained).
Molecular consequence: synonymous variant.
Genome position (GRCh38, 1-based): chr4:95,219,120, C>T on the plus strand (G>A on the coding strand, the complement: UNC5C is on the minus strand). VCF-style: chr4-95219120-C-T. GRCh37 (hg19) VCF-style: chr4-96140271-C-T.
Identifiers: ClinVar variation 3057411 (VCV003057411.2), dbSNP rs141315686, ClinGen allele CA3015671.
Genomic context (GRCh38, chr4:95,219,120, plus strand): 5'-CTTCAGGCTGAGGGCTTCATTCTCCAACAACGACTGGGTCATCTGAGGGGACAGCTTGGA[C>T]GTAAACTCAGAGAGGTCATCTTGGGGGGTGACAGCACCTGAGGTGTTGTACACTTTGATT-3'
Protein context (NP_003719.3, residues 488-508): VTPQDDLSEF[Thr498=]SKLSPQMTQS

ClinVar aggregate classification (germline): Likely benign (0 of 4 stars; one submission).

Conditions:
UNC5C-related disorder. Also called: UNC5C-related condition.

Allele frequency attached by ClinVar (database versions not stated): gnomAD 0.00003; ExAC 0.00005; TOPMed 0.00006; ESP Exome Variant Server 0.00008; 1000 Genomes Project 30x 0.00047; 1000 Genomes Project 0.00060.
gnomAD v4.1: 78 of 1,614,068 alleles (0.0048%); highest among the groups gnomAD compares: South Asian, 0.015%; 1 homozygote.

Submission:

PreventionGenetics, part of Exact Sciences
Classification: Likely benign for UNC5C-related condition. Last evaluated: 2019-03-01. Review status: no assertion criteria provided. Collection method: clinical testing. Allele origin: germline.
Comment: This variant is classified as likely benign based on ACMG/AMP sequence variant interpretation guidelines (Richards et al. 2015 PMID: 25741868, with internal and published modifications).